The following is an entry in ClinVar:

NM_000123.4(ERCC5):c.1106C>T (p.Ala369Val)

Genes: BIVM-ERCC5 (BIVM-ERCC5 readthrough; plus strand), ERCC5 (ERCC excision repair 5, endonuclease; plus strand). Cytogenetic location: 13q33.1.
Variant type: single nucleotide variant.
Coding change: c.1106C>T on transcript NM_000123.4 (MANE Select); coding-DNA position 1106, C replaced by T.
Protein change: p.Ala369Val; replaces alanine 369 with valine.
Molecular consequence: missense variant.
Genome position (GRCh38, 1-based): chr13:102,862,255, C>T. VCF-style: chr13-102862255-C-T. GRCh37 (hg19) VCF-style: chr13-103514605-C-T.
Other names: c.2468C>T, p.Ala823Val (NM_001204425.2); short protein forms A369V, A823V.
Identifiers: ClinVar variation 1050566 (VCV001050566.4), dbSNP rs773179441, ClinGen allele CA7041349.

ClinVar aggregate classification (germline): Uncertain significance. Review status: criteria provided, single submitter (1 of 4 stars). 2 submissions from 2 submitters: Uncertain significance (1). 1 of the submissions does not count toward it. Last evaluated 2022-02-10.

Allele frequency attached by ClinVar (database versions not stated): ExAC 0.00003; gnomAD exomes 0.00003 and 0.00005; TOPMed 0.00005; gnomAD 0.00006 and 0.00007.
gnomAD v4.1: 84 of 1,614,014 alleles (0.0052%); highest among the groups gnomAD compares: Non-Finnish European, 0.0069%; no homozygotes.

Submissions (2):

GeneDx
Classification: Uncertain significance. Last evaluated: 2022-02-10. Review status: criteria provided, single submitter. Criteria: GeneDx Variant Classification Process June 2021. Collection method: clinical testing. Allele origin: germline. Affected: yes.
Comment: Not observed at a significant frequency in large population cohorts (gnomAD); In silico analysis, which includes protein predictors and evolutionary conservation, supports that this variant does not alter protein structure/function; Has not been previously published as pathogenic or benign to our knowledge

Department of Pathology and Laboratory Medicine, Sinai Health System
Classification: Uncertain significance. Review status: no assertion criteria provided. Collection method: clinical testing. Allele origin: unknown. Affected: yes. Study: The Canadian Open Genetics Repository (COGR). Not counted in ClinVar's aggregate classification.
Comment: The ERCC5 p.A369V variant was not identified in the literature nor was it identified in ClinVar or COSMIC. The variant was identified in dbSNP (ID: rs773179441) and in control databases in 10 of 282378 chromosomes at a frequency of 0.00003541, and was observed in only the European (non-Finnish) population in 10 of 128800 chromosomes (freq: 0.00007764) (Genome Aggregation Database March 6, 2019, v2.1.1). The p.A369 residue is not conserved in mammals and computational analyses (MUT Assesor, PolyPhen-2, SIFT, MutationTaster, Revel, FATHMM, MetaLR, DANN) do not suggest a high likelihood of impact to the protein; this information is not predictive enough to rule out pathogenicity. The variant occurs outside of the splicing consensus sequence and in silico or computational prediction software programs (Splice AI exome) do not predict a difference in splicing. In summary, based on the above information the clinical significance of this variant cannot be determined with certainty at this time. This variant is classified as a variant of uncertain significance.